The following is an entry in ClinVar:

NM_001844.5(COL2A1):c.2356-16_2359del

Gene: COL2A1 (collagen type II alpha 1 chain; minus strand). Cytogenetic location: 12q13.11.
Variant type: Deletion.
Coding change: c.2356-16_2359del on transcript NM_001844.5 (MANE Select); 16 bases into the intron before coding-DNA position 2356 through coding-DNA position 2359, 20 bases deleted (CCTGCTCTCCCCGCAGGGCC).
Molecular consequence: splice acceptor variant.
Genome position (GRCh38, 1-based): chr12:47,981,826-47,981,845, GGCCCTGCGGGGAGAGCAGG deleted on the plus strand (CCTGCTCTCCCCGCAGGGCC on the coding strand, the reverse complement: COL2A1 is on the minus strand). VCF-style (leftmost placement, unchanged base first): chr12-47981825-AGGCCCTGCGGGGAGAGCAGG-A. GRCh37 (hg19) VCF-style: chr12-48375608-AGGCCCTGCGGGGAGAGCAGG-A.
Other names: c.2149-16_2152del (NM_033150.3).
Identifiers: ClinVar variation 961043 (VCV000961043.7), dbSNP rs1939108031, ClinGen allele CA1139662594.

ClinVar aggregate classification (germline): Likely pathogenic (1 of 4 stars; one submission).

Submission:

Labcorp Genetics (formerly Invitae), Labcorp
Classification: Likely pathogenic. Last evaluated: 2022-12-18. Review status: criteria provided, single submitter. Criteria: Invitae Variant Classification Sherloc (09022015). Collection method: clinical testing. Allele origin: germline.
Comment: In summary, the currently available evidence indicates that the variant is pathogenic, but additional data are needed to prove that conclusively. Therefore, this variant has been classified as Likely Pathogenic. This variant results in the deletion of part of exon 36 (c.2356-16_2359del) of the COL2A1 gene. It is expected to disrupt RNA splicing. Variants that disrupt the donor or acceptor splice site typically lead to a loss of protein function (PMID: 16199547), and loss-of-function variants in COL2A1 are known to be pathogenic (PMID: 20179744). This variant is not present in population databases (gnomAD no frequency). This variant has not been reported in the literature in individuals affected with COL2A1-related conditions. ClinVar contains an entry for this variant (Variation ID: 961043). Algorithms developed to predict the effect of sequence changes on RNA splicing suggest that this variant may disrupt the consensus splice site.

Literature cited by the submitters: PubMed 16199547; PubMed 20179744.